The following is an entry in ClinVar:

ClinVar aggregate classification (germline): Conflicting classifications of pathogenicity. Review status: criteria provided, conflicting classifications (1 of 4 stars). 9 submissions from 9 submitters: Uncertain significance (6); Benign (1); Likely benign (1). 1 of the submissions does not count toward it. Last evaluated 2026-05-19.

Conditions:
COL6A2-related disorder.
Collagen 6-related myopathy. Identifiers: MedGen CN117976, MONDO:0100225.
Bethlem myopathy 1A. Also called: Bethlem myopathy 1; MYOPATHY, BENIGN CONGENITAL, WITH CONTRACTURES; Bethlem Muscular Dystrophy. Identifiers: Orphanet 610, MedGen CN029274, MONDO:0024530, OMIM 158810.

Allele frequency attached by ClinVar (database versions not stated): TOPMed 0.00011; gnomAD 0.00012; 1000 Genomes Project 30x 0.00016; gnomAD exomes 0.00018 and 0.00019; 1000 Genomes Project 0.00020; ESP Exome Variant Server 0.00023; ExAC 0.00027.
gnomAD v4.1: 273 of 1,606,996 alleles (0.017%); highest among the groups gnomAD compares: Non-Finnish European, 0.021%; no homozygotes.

Submissions (9):

PreventionGenetics, part of Exact Sciences
Classification: Uncertain significance for COL6A2-related condition. Last evaluated: 2026-05-19. Review status: criteria provided, single submitter. Criteria: ACMG Guidelines, 2015. Collection method: clinical testing. Allele origin: germline.
Comment: The COL6A2 c.2935G>A variant is predicted to result in the amino acid substitution p.Asp979Asn. This variant was reported as uncertain in an individual with limb girdle muscular dystrophy (Table S7, Nallamilli et al. 2018. PubMed ID: 30564623). This variant is reported in 0.033% of alleles in individuals of European (Non-Finnish) descent in gnomAD. At this time, the clinical significance of this variant is uncertain due to the absence of conclusive functional and genetic evidence.

Labcorp Genetics (formerly Invitae), Labcorp
Classification: Likely benign for Bethlem myopathy 1A. Last evaluated: 2025-12-09. Review status: criteria provided, single submitter. Criteria: Invitae Variant Classification Sherloc (09022015). Collection method: clinical testing. Allele origin: germline.

GeneDx
Classification: Uncertain significance. Last evaluated: 2025-11-12. Review status: criteria provided, single submitter. Criteria: GeneDx Variant Classification Process June 2021. Collection method: clinical testing. Allele origin: germline.
Comment: Seen in an individual with limb-girdle muscular dystrophy in published literature (PMID: 30564623); In silico analysis suggests that this missense variant does not alter protein structure/function; This variant is associated with the following publications: (PMID: Junkerov_2018, 30564623)

CeGaT Center for Human Genetics Tuebingen
Classification: Uncertain significance. Last evaluated: 2024-08-01. Review status: criteria provided, single submitter. Criteria: CeGaT Center For Human Genetics Tuebingen Variant Classification Criteria Version 2. Collection method: clinical testing. Allele origin: germline. Affected: yes. Observed: 1 variant allele.
Comment: COL6A2: PM2

Blueprint Genetics
Classification: Uncertain significance. Last evaluated: 2024-05-24. Review status: criteria provided, single submitter. Criteria: ACMG Guidelines, 2015. Collection method: clinical testing. Allele origin: germline.

Revvity Omics, Revvity
Classification: Uncertain significance. Last evaluated: 2022-01-07. Review status: criteria provided, single submitter. Criteria: ACMG Guidelines, 2015. Collection method: clinical testing. Allele origin: germline.

Illumina Laboratory Services, Illumina
Classification: Benign for Collagen VI-related myopathy. Last evaluated: 2018-01-13. Review status: criteria provided, single submitter. Criteria: ICSL Variant Classification Criteria 13 December 2019. Collection method: clinical testing. Allele origin: germline.
Comment: This variant was observed in the ICSL laboratory as part of a predisposition screen in an ostensibly healthy population. It had not been previously curated by ICSL or reported in the Human Gene Mutation Database (HGMD: prior to June 1st, 2018), and was therefore a candidate for classification through an automated scoring system. Utilizing variant allele frequency, disease prevalence and penetrance estimates, and inheritance mode, an automated score was calculated to assess if this variant is too frequent to cause the disease. Based on the score and internal cut-off values, a variant classified as benign is not then subjected to further curation. The score for this variant resulted in a classification of benign for this disease.

Eurofins Ntd Llc (ga)
Classification: Uncertain significance. Last evaluated: 2016-09-07. Review status: criteria provided, single submitter. Criteria: EGL Classification Definitions 2015. Collection method: clinical testing. Allele origin: germline. Observed: 4 variant alleles, 4 heterozygotes.

Department of Pathology and Laboratory Medicine, Sinai Health System
Classification: Uncertain significance. Review status: no assertion criteria provided. Collection method: clinical testing. Allele origin: unknown. Affected: yes. Study: The Canadian Open Genetics Repository (COGR). Not counted in ClinVar's aggregate classification.
Comment: The COL6A2 p.Asp979Asn variant was not identified in the literature but was identified in dbSNP (ID: rs141579198) and ClinVar (classified as uncertain significance by Invitae and EGL Genetics). The variant was identified in control databases in 51 of 275508 chromosomes at a frequency of 0.0001851 (Genome Aggregation Database March 6, 2019, v2.1.1). The variant was observed in the following populations: European (non-Finnish) in 41 of 124892 chromosomes (freq: 0.000328), European (Finnish) in 4 of 22908 chromosomes (freq: 0.000175), Latino in 5 of 35300 chromosomes (freq: 0.000142) and Other in 1 of 7124 chromosomes (freq: 0.00014), but was not observed in the African, Ashkenazi Jewish, East Asian, or South Asian populations. The p.Asp979 residue is conserved in mammals and computational analyses (PolyPhen-2, SIFT, AlignGVGD, BLOSUM, MutationTaster) provide inconsistent predictions regarding the impact to the protein; this information is not very predictive of pathogenicity. The variant occurs outside of the splicing consensus sequence and in silico or computational prediction software programs (SpliceSiteFinder, MaxEntScan, NNSPLICE, GeneSplicer) do not predict a difference in splicing. In summary, based on the above information the clinical significance of this variant cannot be determined with certainty at this time. This variant is classified as a variant of uncertain significance.

NM_001849.4(COL6A2):c.2935G>A (p.Asp979Asn)

Gene: COL6A2 (collagen type VI alpha 2 chain; plus strand). Cytogenetic location: 21q22.3.
Variant type: single nucleotide variant.
Coding change: c.2935G>A on transcript NM_001849.4 (MANE Select); coding-DNA position 2935, G replaced by A.
Protein change: p.Asp979Asn; replaces aspartic acid 979 with asparagine.
Molecular consequence: missense variant.
Genome position (GRCh38, 1-based): chr21:46,132,427, G>A. VCF-style: chr21-46132427-G-A. GRCh37 (hg19) VCF-style: chr21-47552341-G-A.
Other names: short protein forms D979N.
Identifiers: ClinVar variation 281964 (VCV000281964.37), dbSNP rs141579198, ClinGen allele CA10073105.
Genomic context (GRCh38, chr21:46,132,427, plus strand): 5'-GAGTCGGCGCACTCCATGCGCAAGCAGAACGTGGTACCCACCGTGCTGGCCTTGGGCAGC[G>A]ACGTGGACATGGACGTGCTCACCACGCTCAGCCTGGGTGACCGCGCCGCCGTGTTCCACG-3'
Protein context (NP_001840.3, residues 969-989): VVPTVLALGS[Asp979Asn]VDMDVLTTLS